The following is an entry in ClinVar:

ClinVar aggregate classification (germline): Benign. Review status: criteria provided, multiple submitters, no conflicts (2 of 4 stars). 4 submissions from 4 submitters: Benign (4). Last evaluated 2026-01-21.

Allele frequency attached by ClinVar (database versions not stated): 1000 Genomes Project 30x 0.00656; 1000 Genomes Project 0.00679; gnomAD 0.01248 and 0.01260; TOPMed 0.01354; gnomAD exomes 0.01470 and 0.01553; ExAC 0.01563; ESP Exome Variant Server 0.01577.
gnomAD v4.1: 22,439 of 1,537,212 alleles (1.5%); highest among the groups gnomAD compares: Middle Eastern, 2.6%; 229 homozygotes.

Submissions (4):

Labcorp Genetics (formerly Invitae), Labcorp
Classification: Benign. Last evaluated: 2026-01-21. Review status: criteria provided, single submitter. Criteria: Invitae Variant Classification Sherloc (09022015). Collection method: clinical testing. Allele origin: germline.

Athena Diagnostics
Classification: Benign. Last evaluated: 2018-09-20. Review status: criteria provided, single submitter. Criteria: Athena Diagnostics Criteria. Collection method: clinical testing. Allele origin: germline.

GeneDx
Classification: Benign. Last evaluated: 2017-11-14. Review status: criteria provided, single submitter. Criteria: GeneDx Variant Classification (06012015). Collection method: clinical testing. Allele origin: germline. Affected: yes.
Comment: This variant is considered likely benign or benign based on one or more of the following criteria: it is a conservative change, it occurs at a poorly conserved position in the protein, it is predicted to be benign by multiple in silico algorithms, and/or has population frequency not consistent with disease.

Laboratory for Molecular Medicine, Mass General Brigham Personalized Medicine
Classification: Benign. Last evaluated: 2017-08-23. Review status: criteria provided, single submitter. Criteria: LMM Criteria. Collection method: clinical testing. Allele origin: germline. Observed: 1 variant allele.
Comment: c.2570-6G>A in intron 18 of FAM65B: This variant is not expected to have clinica l significance because it has been identified in 2.72% (221/8130) of European ch romosomes by the Exome Aggregation Consortium (ExAC. org; dbSNP rs144190405).

NM_001286445.3(RIPOR2):c.2507-6G>A

Gene: RIPOR2 (RHO family interacting cell polarization regulator 2; minus strand). Cytogenetic location: 6p22.3.
Variant type: single nucleotide variant.
Coding change: c.2507-6G>A on transcript NM_001286445.3 (MANE Select); 6 bases into the intron before coding-DNA position 2507, G replaced by A.
Molecular consequence: intron variant.
Genome position (GRCh38, 1-based): chr6:24,828,301, C>T on the plus strand (G>A on the coding strand, the complement: RIPOR2 is on the minus strand). VCF-style: chr6-24828301-C-T. GRCh37 (hg19) VCF-style: chr6-24828529-C-T.
Other names: c.2420-6G>A (NM_001346031.2, NM_001346032.2); c.2570-6G>A (NM_014722.5).
Identifiers: ClinVar variation 508583 (VCV000508583.14), dbSNP rs144190405, ClinGen allele CA3659098.